The following is an entry in ClinVar:

ClinVar aggregate classification (germline): Benign/Likely benign. Review status: criteria provided, multiple submitters, no conflicts (2 of 4 stars). 3 submissions from 3 submitters: Benign (1); Likely benign (1). 1 of the submissions does not count toward it. Last evaluated 2026-02-01.

Conditions:
COL4A1-related disorder. Also called: COL4A1-related condition; COL4A1-related disorders. Identifiers: MedGen CN376119, MONDO:0800461.

Allele frequency attached by ClinVar (database versions not stated): gnomAD 0.00003 and 0.00005; gnomAD exomes 0.00006 and 0.00018; 1000 Genomes Project 30x 0.00031; 1000 Genomes Project 0.00040; TOPMed 0.00010; ExAC 0.00020.
gnomAD v4.1: 89 of 1,613,460 alleles (0.0055%); highest among the groups gnomAD compares: Admixed American, 0.058%; 1 homozygote.

Submissions (3):

CeGaT Center for Human Genetics Tuebingen
Classification: Likely benign. Last evaluated: 2026-02-01. Review status: criteria provided, single submitter. Criteria: CeGaT Center For Human Genetics Tuebingen Variant Classification Criteria Version 2. Collection method: clinical testing. Allele origin: germline. Affected: yes. Observed: 1 variant allele.
Comment: COL4A1: BP4

Labcorp Genetics (formerly Invitae), Labcorp
Classification: Benign. Last evaluated: 2026-01-01. Review status: criteria provided, single submitter. Criteria: Invitae Variant Classification Sherloc (09022015). Collection method: clinical testing. Allele origin: germline.

PreventionGenetics, part of Exact Sciences
Classification: Likely benign for COL4A1-related condition. Last evaluated: 2022-08-10. Review status: no assertion criteria provided. Collection method: clinical testing. Allele origin: germline. Not counted in ClinVar's aggregate classification.
Comment: This variant is classified as likely benign based on ACMG/AMP sequence variant interpretation guidelines (Richards et al. 2015 PMID: 25741868, with internal and published modifications).

NM_001845.6(COL4A1):c.1000-8C>T

Gene: COL4A1 (collagen type IV alpha 1 chain; minus strand). Cytogenetic location: 13q34.
Variant type: single nucleotide variant.
Coding change: c.1000-8C>T on transcript NM_001845.6 (MANE Select); 8 bases into the intron before coding-DNA position 1000, C replaced by T.
Molecular consequence: intron variant.
Genome position (GRCh38, 1-based): chr13:110,201,530, G>A on the plus strand (C>T on the coding strand, the complement: COL4A1 is on the minus strand). VCF-style: chr13-110201530-G-A. GRCh37 (hg19) VCF-style: chr13-110853877-G-A.
Other names: c.1000-8C>T (NM_001303110.2, NM_001845.5).
Identifiers: ClinVar variation 1598590 (VCV001598590.14), dbSNP rs199822852, ClinGen allele CA7048117.